The following is an entry in ClinVar:

ClinVar aggregate classification (germline): Conflicting classifications of pathogenicity. Review status: criteria provided, conflicting classifications (1 of 4 stars). 6 submissions from 6 submitters: Uncertain significance (2); Benign (1); Likely benign (2). 1 of the submissions does not count toward it. Last evaluated 2025-12-15.

Conditions:
SH3PXD2B-related disorder. Also called: SH3PXD2B-related condition.
Frank-Ter Haar syndrome. Also called: TER HAAR SYNDROME; MELNICK-NEEDLES SYNDROME, AUTOSOMAL RECESSIVE; Borrone di Rocco Crovato syndrome; BORRONE DERMATOCARDIOSKELETAL SYNDROME. Identifiers: Orphanet 1266, Orphanet 137834, MedGen C1855305, MONDO:0009579, OMIM 249420.

Allele frequency attached by ClinVar (database versions not stated): gnomAD exomes 0.00049 and 0.00066; ExAC 0.00050; gnomAD 0.00060 and 0.00061; TOPMed 0.00061; ESP Exome Variant Server 0.00069.
gnomAD v4.1: 1,060 of 1,613,992 alleles (0.066%); highest among the groups gnomAD compares: Non-Finnish European, 0.085%; 1 homozygote.

Submissions (6):

Labcorp Genetics (formerly Invitae), Labcorp
Classification: Benign. Last evaluated: 2025-12-15. Review status: criteria provided, single submitter. Criteria: Invitae Variant Classification Sherloc (09022015). Collection method: clinical testing. Allele origin: germline.

CeGaT Center for Human Genetics Tuebingen
Classification: Likely benign. Last evaluated: 2025-02-01. Review status: criteria provided, single submitter. Criteria: CeGaT Center For Human Genetics Tuebingen Variant Classification Criteria Version 2. Collection method: clinical testing. Allele origin: germline. Affected: yes. Observed: 3 variant alleles.
Comment: SH3PXD2B: BP4, BP7

Blueprint Genetics
Classification: Likely benign. Last evaluated: 2024-10-28. Review status: criteria provided, single submitter. Criteria: ACMG Guidelines, 2015. Collection method: clinical testing. Allele origin: germline.

Illumina Laboratory Services, Illumina
Classification: Uncertain significance for Frank-Ter Haar syndrome. Last evaluated: 2018-01-12. Review status: criteria provided, single submitter. Criteria: ICSL Variant Classification Criteria 13 December 2019. Collection method: clinical testing. Allele origin: germline.

Eurofins Ntd Llc (ga)
Classification: Uncertain significance. Last evaluated: 2016-07-21. Review status: criteria provided, single submitter. Criteria: EGL Classification Definitions 2015. Collection method: clinical testing. Allele origin: germline. Observed: 1 variant allele, 1 heterozygote.

PreventionGenetics, part of Exact Sciences
Classification: Likely benign for SH3PXD2B-related condition. Last evaluated: 2024-01-17. Review status: no assertion criteria provided. Collection method: clinical testing. Allele origin: germline. Not counted in ClinVar's aggregate classification.
Comment: This variant is classified as likely benign based on ACMG/AMP sequence variant interpretation guidelines (Richards et al. 2015 PMID: 25741868, with internal and published modifications).

NM_001017995.3(SH3PXD2B):c.1602G>A (p.Gly534=)

Gene: SH3PXD2B (SH3 and PX domains 2B; minus strand). Cytogenetic location: 5q35.1.
Variant type: single nucleotide variant.
Coding change: c.1602G>A on transcript NM_001017995.3 (MANE Select); coding-DNA position 1602, G replaced by A.
Protein change: p.Gly534=; no amino-acid change (glycine 534 retained).
Molecular consequence: synonymous variant. On other transcripts: intron variant (1).
Genome position (GRCh38, 1-based): chr5:172,339,503, C>T on the plus strand (G>A on the coding strand, the complement: SH3PXD2B is on the minus strand). VCF-style: chr5-172339503-C-T. GRCh37 (hg19) VCF-style: chr5-171766507-C-T.
Other names: c.1188+6633G>A (NM_001308175.2).
Identifiers: ClinVar variation 289064 (VCV000289064.44), dbSNP rs144228973, ClinGen allele CA3561148.